The following is an entry in ClinVar:

ClinVar aggregate classification (germline): Uncertain significance. Review status: criteria provided, multiple submitters, no conflicts (2 of 4 stars). 2 submissions from 2 submitters: Uncertain significance (2). Last evaluated 2025-09-10.

Conditions:
Hereditary cancer-predisposing syndrome. Also called: Neoplastic Syndromes, Hereditary; Hereditary neoplastic syndrome; Tumor predisposition; Hereditary Cancer Syndrome. Identifiers: Orphanet 140162, MedGen C0027672, MeSH D009386, MONDO:0015356.
Tuberous sclerosis 2 (TSC2). Identifiers: Orphanet 805, MedGen C1860707, MONDO:0013199, OMIM 613254.

Allele frequency attached by ClinVar (database versions not stated): TOPMed 0.00001.
gnomAD v4.1: 3 of 1,614,072 alleles (0.00019%); highest among the groups gnomAD compares: South Asian, 0.0011%; no homozygotes.

Submissions (2):

Labcorp Genetics (formerly Invitae), Labcorp
Classification: Uncertain significance for Tuberous sclerosis 2. Last evaluated: 2025-09-10. Review status: criteria provided, single submitter. Criteria: Invitae Variant Classification Sherloc (09022015). Collection method: clinical testing. Allele origin: germline.
Comment: This sequence change replaces asparagine, which is neutral and polar, with lysine, which is basic and polar, at codon 133 of the TSC2 protein (p.Asn133Lys). This variant is not present in population databases (gnomAD no frequency). This variant has not been reported in the literature in individuals affected with TSC2-related conditions. ClinVar contains an entry for this variant (Variation ID: 845277). Invitae Evidence Modeling of protein sequence and biophysical properties (such as structural, functional, and spatial information, amino acid conservation, physicochemical variation, residue mobility, and thermodynamic stability) indicates that this missense variant is not expected to disrupt TSC2 protein function with a negative predictive value of 95%. In summary, the available evidence is currently insufficient to determine the role of this variant in disease. Therefore, it has been classified as a Variant of Uncertain Significance.

Ambry Genetics
Classification: Uncertain significance for Hereditary cancer-predisposing syndrome. Last evaluated: 2024-06-23. Review status: criteria provided, single submitter. Criteria: Ambry Variant Classification Scheme 2023. Collection method: clinical testing. Allele origin: germline.
Comment: The p.N133K variant (also known as c.399C>A), located in coding exon 4 of the TSC2 gene, results from a C to A substitution at nucleotide position 399. The asparagine at codon 133 is replaced by lysine, an amino acid with similar properties. This amino acid position is conserved. In addition, this alteration is predicted to be tolerated by in silico analysis. Based on the available evidence, the clinical significance of this variant remains unclear.

NM_000548.5(TSC2):c.399C>A (p.Asn133Lys)

Gene: TSC2 (TSC complex subunit 2; plus strand). Cytogenetic location: 16p13.3.
Variant type: single nucleotide variant.
Coding change: c.399C>A on transcript NM_000548.5 (MANE Select); coding-DNA position 399, C replaced by A.
Protein change: p.Asn133Lys; replaces asparagine 133 with lysine.
Molecular consequence: missense variant. On other transcripts: intron variant (1).
Genome position (GRCh38, 1-based): chr16:2,054,358, C>A. VCF-style: chr16-2054358-C-A. GRCh37 (hg19) VCF-style: chr16-2104359-C-A.
Other names: c.399C>A, p.Asn133Lys (NM_001077183.3, NM_001114382.3, NM_001363528.2 and 3 more transcripts); c.288C>A, p.Asn96Lys (NM_001318827.2); c.252C>A, p.Asn84Lys (NM_001318829.2); c.432C>A, p.Asn144Lys (NM_001318832.2); c.-1-1838C>A (NM_001318831.2); short protein forms N96K, N84K, N133K, N144K.
Identifiers: ClinVar variation 845277 (VCV000845277.10), dbSNP rs746704620, ClinGen allele CA394306960.